The following is an entry in ClinVar:

ClinVar aggregate classification (germline): Likely benign. Review status: criteria provided, multiple submitters, no conflicts (2 of 4 stars). 2 submissions from 2 submitters: Likely benign (2). Last evaluated 2025-09-10.

Allele frequency attached by ClinVar (database versions not stated): ExAC 0.00001; gnomAD exomes 0.00001 and 0.00002; gnomAD 0.00003 and 0.00004; TOPMed 0.00003.
gnomAD v4.1: 37 of 1,613,236 alleles (0.0023%); highest among the groups gnomAD compares: Non-Finnish European, 0.0031%; no homozygotes.

Submissions (2):

Labcorp Genetics (formerly Invitae), Labcorp
Classification: Likely benign. Last evaluated: 2025-09-10. Review status: criteria provided, single submitter. Criteria: Invitae Variant Classification Sherloc (09022015). Collection method: clinical testing. Allele origin: germline.

GeneDx
Classification: Likely benign. Last evaluated: 2017-02-13. Review status: criteria provided, single submitter. Criteria: GeneDx Variant Classification (06012015). Collection method: clinical testing. Allele origin: germline. Affected: yes.
Comment: This variant is considered likely benign or benign based on one or more of the following criteria: it is a conservative change, it occurs at a poorly conserved position in the protein, it is predicted to be benign by multiple in silico algorithms, and/or has population frequency not consistent with disease.

NM_006329.4(FBLN5):c.862+16G>C

Gene: FBLN5 (fibulin 5; minus strand). Cytogenetic location: 14q32.12.
Variant type: single nucleotide variant.
Coding change: c.862+16G>C on transcript NM_006329.4 (MANE Select); 16 bases into the intron after coding-DNA position 862, G replaced by C.
Molecular consequence: intron variant.
Genome position (GRCh38, 1-based): chr14:91,882,938, C>G on the plus strand (G>C on the coding strand, the complement: FBLN5 is on the minus strand). VCF-style: chr14-91882938-C-G. GRCh37 (hg19) VCF-style: chr14-92349282-C-G.
Other names: c.862+16G>C (NM_001384160.1); c.985+16G>C (NM_001384158.1); c.694+16G>C (NM_001384162.1, NM_001384161.1); c.913+16G>C (NM_001384159.1).
Identifiers: ClinVar variation 507359 (VCV000507359.5), dbSNP rs762012103, ClinGen allele CA7312723.